The following is an entry in ClinVar:

ClinVar aggregate classification (germline): Likely benign. Review status: criteria provided, multiple submitters, no conflicts (2 of 4 stars). 3 submissions from 3 submitters: Likely benign (2). 1 of the submissions does not count toward it. Last evaluated 2025-01-06.

Conditions:
CREBBP-related disorder. Also called: CREBBP-related condition; CREBBP-related disorders.
Menke-Hennekam syndrome 1 (MKHK1). Identifiers: MedGen C5193034, MONDO:0020763, OMIM 618332.
Rubinstein-Taybi syndrome due to CREBBP mutations (RSTS1). Also called: RUBINSTEIN-TAYBI SYNDROME 1, INCOMPLETE; CREBBP-Related Rubinstein-Taybi Syndrome; RUBINSTEIN SYNDROME; BROAD THUMB-HALLUX SYNDROME; Rubinstein-Taybi syndrome 1; BROAD THUMBS AND GREAT TOES, CHARACTERISTIC FACIES, AND IMPAIRED INTELLECTUAL DEVELOPMENT. Identifiers: Orphanet 353277, Orphanet 783, MedGen C4551859, MONDO:0008393, OMIM 180849.
Rubinstein-Taybi syndrome (RSTS). Identifiers: Orphanet 783, MedGen C0035934, MONDO:0019188.

Allele frequency attached by ClinVar (database versions not stated): gnomAD 0.00002; gnomAD exomes 0.00002; ExAC 0.00003; TOPMed 0.00004.
gnomAD v4.1: 23 of 1,608,952 alleles (0.0014%); highest among the groups gnomAD compares: African/African-American, 0.0067%; no homozygotes.

Submissions (3):

Labcorp Genetics (formerly Invitae), Labcorp
Classification: Likely benign for Rubinstein-Taybi syndrome. Last evaluated: 2025-01-06. Review status: criteria provided, single submitter. Criteria: Invitae Variant Classification Sherloc (09022015). Collection method: clinical testing. Allele origin: germline.

Fulgent Genetics
Classification: Likely benign for Rubinstein-Taybi syndrome due to CREBBP mutations; Menke-Hennekam syndrome 1. Last evaluated: 2021-11-18. Review status: criteria provided, single submitter. Criteria: ACMG Guidelines, 2015. Collection method: clinical testing. Allele origin: unknown.

PreventionGenetics, part of Exact Sciences
Classification: Likely benign for CREBBP-related condition. Last evaluated: 2023-11-16. Review status: no assertion criteria provided. Collection method: clinical testing. Allele origin: germline. Not counted in ClinVar's aggregate classification.
Comment: This variant is classified as likely benign based on ACMG/AMP sequence variant interpretation guidelines (Richards et al. 2015 PMID: 25741868, with internal and published modifications).

NM_004380.3(CREBBP):c.7116G>A (p.Ser2372=)

Gene: CREBBP (CREB binding lysine acetyltransferase; minus strand). Cytogenetic location: 16p13.3.
Variant type: single nucleotide variant.
Coding change: c.7116G>A on transcript NM_004380.3 (MANE Select); coding-DNA position 7116, G replaced by A.
Protein change: p.Ser2372=; no amino-acid change (serine 2372 retained).
Molecular consequence: synonymous variant.
Genome position (GRCh38, 1-based): chr16:3,727,931, C>T on the plus strand (G>A on the coding strand, the complement: CREBBP is on the minus strand). VCF-style: chr16-3727931-C-T. GRCh37 (hg19) VCF-style: chr16-3777932-C-T.
Other names: c.7116G>A (NM_004380.2); c.7002G>A, p.Ser2334= (NM_001079846.1).
Identifiers: ClinVar variation 1654896 (VCV001654896.11), dbSNP rs758454751, ClinGen allele CA7868948.
Genomic context (GRCh38, chr16:3,727,931, plus strand): 5'-GGCCATGGTGACTGCGAGTCCGGGGTGGGGGGAACCAGTCTGGGGTGAGACGTGGTGTGG[C>T]GAAGGCTGGGGCTGTATCCGTGGTGACGGGCTGGAATGTGGAGGCTGGGACTGGGGCCGT-3'
Protein context (NP_004371.2, residues 2362-2382): SPSPRIQPQP[Ser2372=]PHHVSPQTGS